The following is an entry in ClinVar:

ClinVar aggregate classification (germline): Likely pathogenic (1 of 4 stars; one submission).

Conditions:
Metaphyseal chondrodysplasia, McKusick type (CHH). Also called: Cartilage-hair hypoplasia; Cartilage-Hair Hypoplasia (CHH). Identifiers: Orphanet 175, MedGen C0220748, MONDO:0009595, OMIM 250250.

Submission:

Women's Health and Genetics/Laboratory Corporation of America, LabCorp
Classification: Likely pathogenic for Metaphyseal chondrodysplasia, McKusick type. Last evaluated: 2025-09-04. Review status: criteria provided, single submitter. Criteria: LabCorp Variant Classification Summary - May 2015. Collection method: clinical testing. Allele origin: germline.
Comment: Variant summary: RMRP n.-6_-5insAACGTGGTGAAGCTGA (also known as NC_000009.11: chr9: g.35658020_35658021insTCAGCTTCACCACGTT) is located in the promoter region of the RMRP gene which is located between the TATA box (at position -33 to -25) and the transcription initiation site (at +1). Other insertions or duplications in the promoter region of RMRP have been classified as pathogenic (internally and in ClinVar). The variant was absent in 127922 control chromosomes (gnomAD). To our knowledge, no occurrence of n.-6_-5ins16 in individuals affected with RMRP-related conditions and no experimental evidence demonstrating its impact on protein function have been reported. Many other insertions or duplications in the promoter region of RMRP have been reported in affected individuals in the literature (e.g. PMIDs: 21956908, 21396580) and have been demonstrated through functional studies to lead to reduced RMRP transcription (e.g. PMIDs: 11207361, 16254002). No submitters have cited clinical-significance assessments for this variant to ClinVar. Based on the evidence outlined above, the variant was classified as likely pathogenic.

NR_003051.3(RMRP):n.-6_-5insAACGTGGTGAAGCTGA

Gene: RMRP (RNA component of mitochondrial RNA processing endoribonuclease; minus strand). Cytogenetic location: 9p13.3.
Variant type: Insertion.
Genome position: GRCh38 VCF-style: chr9-35658023-C-CTCAGCTTCACCACGTT. GRCh37 (hg19) VCF-style: chr9-35658020-C-CTCAGCTTCACCACGTT.
Identifiers: ClinVar variation 4688171 (VCV004688171.1).